The following is an entry in ClinVar:

NC_000002.11:g.(?_170336064)_(170336142_?)del

Gene: BBS5 (Bardet-Biedl syndrome 5; plus strand). Cytogenetic location: 2q31.1.
Variant type: Deletion.
Identifiers: ClinVar variation 1457102 (VCV001457102.4).

ClinVar aggregate classification (germline): Pathogenic (1 of 4 stars; one submission).

Conditions:
Bardet-Biedl syndrome (BBS). Identifiers: Orphanet 110, MedGen C0752166, MONDO:0015229.

Submission:

Labcorp Genetics (formerly Invitae), Labcorp
Classification: Pathogenic for Bardet-Biedl syndrome. Last evaluated: 2024-01-16. Review status: criteria provided, single submitter. Criteria: Invitae Variant Classification Sherloc (09022015). Collection method: clinical testing. Allele origin: germline.
Comment: This variant is a gross deletion of the genomic region encompassing exon(s) 1 of the BBS5 gene, which includes the initiator codon. This deletion extends beyond the assayed region for this gene and therefore may encompass additional genes. It is expected to result in an absent or disrupted protein product. Loss-of-function variants in BBS5 are known to be pathogenic (PMID: 15137946, 16877420, 26325687, 27708425, 28041643, 29806606). This variant has not been reported in the literature in individuals affected with BBS5-related conditions. For these reasons, this variant has been classified as Pathogenic.

Literature cited by the submitters: PubMed 15137946; PubMed 16877420; PubMed 26325687; PubMed 27708425; PubMed 28041643; PubMed 29806606.